The following is an entry in ClinVar:

NM_004260.4(RECQL4):c.1445G>A (p.Arg482His)

Gene: RECQL4 (RecQ like helicase 4; minus strand). Cytogenetic location: 8q24.3.
Variant type: single nucleotide variant.
Coding change: c.1445G>A on transcript NM_004260.4 (MANE Select); coding-DNA position 1445, G replaced by A.
Protein change: p.Arg482His; replaces arginine 482 with histidine.
Molecular consequence: missense variant.
Genome position (GRCh38, 1-based): chr8:144,515,188, C>T on the plus strand (G>A on the coding strand, the complement: RECQL4 is on the minus strand). VCF-style: chr8-144515188-C-T. GRCh37 (hg19) VCF-style: chr8-145740572-C-T.
Other names: short protein forms R482H.
Identifiers: ClinVar variation 459330 (VCV000459330.9), dbSNP rs751616549, ClinGen allele CA187687193.

ClinVar aggregate classification (germline): Uncertain significance. Review status: criteria provided, multiple submitters, no conflicts (2 of 4 stars). 2 submissions from 2 submitters: Uncertain significance (2). Last evaluated 2025-02-15.

Conditions:
Inborn genetic diseases. Identifiers: MedGen C0950123, MeSH D030342.
Baller-Gerold syndrome (BGS). Also called: CRANIOSYNOSTOSIS WITH RADIAL DEFECTS. Identifiers: Orphanet 1225, MedGen C0265308, MONDO:0009039, OMIM 218600.

Allele frequency attached by ClinVar (database versions not stated): gnomAD exomes 0.00002; TOPMed 0.00003.
gnomAD v4.1: 27 of 1,567,296 alleles (0.0017%); highest among the groups gnomAD compares: African/African-American, 0.0027%; no homozygotes.

Submissions (2):

Ambry Genetics
Classification: Uncertain significance for Inborn genetic diseases. Last evaluated: 2025-02-15. Review status: criteria provided, single submitter. Criteria: Ambry Variant Classification Scheme 2023. Collection method: clinical testing. Allele origin: germline.
Comment: The p.R482H variant (also known as c.1445G>A), located in coding exon 8 of the RECQL4 gene, results from a G to A substitution at nucleotide position 1445. The arginine at codon 482 is replaced by histidine, an amino acid with highly similar properties. This amino acid position is conserved. In addition, the in silico prediction for this alteration is inconclusive. Based on the available evidence, the clinical significance of this variant remains unclear.

Labcorp Genetics (formerly Invitae), Labcorp
Classification: Uncertain significance for Baller-Gerold syndrome. Last evaluated: 2023-11-22. Review status: criteria provided, single submitter. Criteria: Invitae Variant Classification Sherloc (09022015). Collection method: clinical testing. Allele origin: germline.
Comment: This sequence change replaces arginine, which is basic and polar, with histidine, which is basic and polar, at codon 482 of the RECQL4 protein (p.Arg482His). The frequency data for this variant in the population databases is considered unreliable, as metrics indicate poor data quality at this position in the gnomAD database. This variant has not been reported in the literature in individuals affected with RECQL4-related conditions. ClinVar contains an entry for this variant (Variation ID: 459330). Advanced modeling of protein sequence and biophysical properties (such as structural, functional, and spatial information, amino acid conservation, physicochemical variation, residue mobility, and thermodynamic stability) performed at Invitae indicates that this missense variant is expected to disrupt RECQL4 protein function with a positive predictive value of 80%. In summary, the available evidence is currently insufficient to determine the role of this variant in disease. Therefore, it has been classified as a Variant of Uncertain Significance.